The following is an entry in ClinVar:

NM_194248.3(OTOF):c.3894+22G>A

Gene: OTOF (otoferlin; minus strand). Cytogenetic location: 2p23.3.
Variant type: single nucleotide variant.
Coding change: c.3894+22G>A on transcript NM_194248.3 (MANE Select); 22 bases into the intron after coding-DNA position 3894, G replaced by A.
Molecular consequence: intron variant.
Genome position (GRCh38, 1-based): chr2:26,471,099, C>T on the plus strand (G>A on the coding strand, the complement: OTOF is on the minus strand). VCF-style: chr2-26471099-C-T. GRCh37 (hg19) VCF-style: chr2-26693967-C-T.
Other names: c.3894+22G>A (NM_001287489.2); c.1593+22G>A (NM_194323.3, NM_004802.4); c.1824+22G>A (NM_194322.3).
Identifiers: ClinVar variation 682792 (VCV000682792.2), dbSNP rs2272072, ClinGen allele CA1563376.

ClinVar aggregate classification (germline): Benign. Review status: criteria provided, multiple submitters, no conflicts (2 of 4 stars). 2 submissions from 2 submitters: Benign (2). Last evaluated 2018-06-14.

Allele frequency attached by ClinVar (database versions not stated): ESP Exome Variant Server 0.05805; gnomAD 0.08941 and 0.09854; gnomAD exomes 0.10221 and 0.15270; TOPMed 0.11481; ExAC 0.14110; 1000 Genomes Project 30x 0.19738; 1000 Genomes Project 0.20427.
gnomAD v4.1: 164,630 of 1,613,506 alleles (10%); highest among the groups gnomAD compares: East Asian, 62%; 17,565 homozygotes.

Submissions (2):

GeneDx
Classification: Benign. Last evaluated: 2018-06-14. Review status: criteria provided, single submitter. Criteria: GeneDx Variant Classification (06012015). Collection method: clinical testing. Allele origin: germline. Affected: yes.
Comment: This variant is considered likely benign or benign based on one or more of the following criteria: it is a conservative change, it occurs at a poorly conserved position in the protein, it is predicted to be benign by multiple in silico algorithms, and/or has population frequency not consistent with disease.

Breakthrough Genomics
Classification: Benign. Review status: criteria provided, single submitter. Criteria: ACMG Guidelines, 2015. Collection method: not provided. Allele origin: germline. Inheritance: Autosomal recessive inheritance. Affected: yes.